The following is an entry in ClinVar:

NM_152703.5(SAMD9L):c.4560CCT[1] (p.Leu1522del)

Gene: SAMD9L (sterile alpha motif domain containing 9 like; minus strand). Cytogenetic location: 7q21.2.
Variant type: Microsatellite.
Coding change: c.4560CCT[1] on transcript NM_152703.5 (MANE Select); one copy of the 3-base unit CCT starting at c.4560; the reference has two copies in a row; one copy, 3 bases deleted.
Protein change: p.Leu1522del; deletes leucine 1522.
Genome position (GRCh38, 1-based): chr7:93,131,407-93,131,409, AGG deleted on the plus strand (CCT on the coding strand, the reverse complement: SAMD9L is on the minus strand); deleting any 3 consecutive bases within chr7:93,131,407-93,131,412 gives the same sequence; the position shown is the placement nearest the transcript's 3' end. VCF-style (leftmost placement, unchanged base first): chr7-93131406-CAGG-C. GRCh37 (hg19) VCF-style: chr7-92760719-CAGG-C.
Other names: c.4560CCT[1], p.Leu1522del (NM_001303496.3, NM_001303497.3, NM_001303498.3 and 5 more transcripts); short protein forms L1522del.
Identifiers: ClinVar variation 3372633 (VCV003372633.1).

ClinVar aggregate classification (germline): Uncertain significance (1 of 4 stars; one submission).

Submission:

GeneDx
Classification: Uncertain significance. Last evaluated: 2024-04-18. Review status: criteria provided, single submitter. Criteria: GeneDx Variant Classification Process June 2021. Collection method: clinical testing. Allele origin: germline. Affected: yes.
Comment: Not observed at significant frequency in large population cohorts (gnomAD); In-frame deletion of 1 amino acid in a non-repeat region; In silico analysis indicates that this variant does not alter protein structure/function; Has not been previously published as pathogenic or benign to our knowledge; This variant is associated with the following publications: (PMID: 28545555)